The following is an entry in ClinVar:

ClinVar aggregate classification (germline): Conflicting classifications of pathogenicity. Review status: criteria provided, conflicting classifications (1 of 4 stars). 11 submissions from 10 submitters: Uncertain significance (10); Likely benign (1). Last evaluated 2026-06-15.

Conditions:
Hypertrophic cardiomyopathy 6. Identifiers: MedGen C1833236, MONDO:0010946, OMIM 600858.
Lethal congenital glycogen storage disease of heart. Also called: GLYCOGEN STORAGE DISEASE OF HEART; PHOSPHORYLASE KINASE DEFICIENCY OF HEART. Identifiers: Orphanet 439854, MedGen C1849813, MONDO:0009867, OMIM 261740.
Wolff-Parkinson-White pattern. Also called: WPW SYNDROME; Auriculoventricular accessory pathway syndrome; False bundle branch block syndrome; Anomalous ventricular excitation syndrome. Identifiers: MedGen C0043202, MONDO:0008685, OMIM 194200, HP:0001716.
Cardiovascular phenotype. Identifiers: MedGen CN230736.
Hypertrophic cardiomyopathy. Also called: HYPERTROPHIC MYOCARDIOPATHY. Identifiers: Orphanet 217569, MedGen C0007194, MeSH D002312, MONDO:0005045, HP:0001639.
PRKAG2-related disorder. Also called: PRKAG2-related condition; PRKAG2-related disorders.
Cardiomyopathy (CMYO). Also called: Cardiomyopathies. Identifiers: Orphanet 167848, MedGen C0878544, MONDO:0004994, HP:0001638. Inheritance: Various modes of inheritance.

Allele frequency attached by ClinVar (database versions not stated): TOPMed 0.00005; ESP Exome Variant Server 0.00008; 1000 Genomes Project 30x 0.00016; 1000 Genomes Project 0.00020.
gnomAD v4.1: 44 of 1,614,070 alleles (0.0027%); highest among the groups gnomAD compares: South Asian, 0.0099%; 1 homozygote.

Submissions (11):

PreventionGenetics, part of Exact Sciences
Classification: Uncertain significance for PRKAG2-related condition. Last evaluated: 2026-06-15. Review status: criteria provided, single submitter. Criteria: ACMG Guidelines, 2015. Collection method: clinical testing. Allele origin: germline.
Comment: The PRKAG2 c.341C>T variant is predicted to result in the amino acid substitution p.Pro114Leu. To our knowledge, this variant has not been reported in the literature. This variant is reported in 0.0080% of alleles in individuals of African descent in gnomAD. At this time, the clinical significance of this variant is uncertain due to the absence of conclusive functional and genetic evidence.

Labcorp Genetics (formerly Invitae), Labcorp
Classification: Likely benign for Lethal congenital glycogen storage disease of heart. Last evaluated: 2025-11-23. Review status: criteria provided, single submitter. Criteria: Invitae Variant Classification Sherloc (09022015). Collection method: clinical testing. Allele origin: germline.

Color Diagnostics, LLC DBA Color Health
Classification: Uncertain significance for Cardiomyopathy. Last evaluated: 2025-11-21. Review status: criteria provided, single submitter. Criteria: ACMG Guidelines, 2015. Collection method: clinical testing. Allele origin: germline.
Comment: This missense variant replaces proline with leucine at codon 114 of the PRKAG2 protein. Computational prediction suggests that this variant may not impact protein structure and function. To our knowledge, functional studies have not been reported for this variant. This variant has not been reported in individuals affected with PRKAG2-related disorders in the literature. This variant has been identified in 44/1614070 chromosomes in the general population by the Genome Aggregation Database (gnomAD). The available evidence is insufficient to determine the role of this variant in disease conclusively. Therefore, this variant is classified as a Variant of Uncertain Significance.

Ambry Genetics
Classification: Uncertain significance for Cardiovascular phenotype. Last evaluated: 2024-10-07. Review status: criteria provided, single submitter. Criteria: Ambry Variant Classification Scheme 2023. Collection method: clinical testing. Allele origin: germline.

All of Us Research Program, National Institutes of Health
Classification: Uncertain significance for Hypertrophic cardiomyopathy. Last evaluated: 2024-03-24. Review status: criteria provided, single submitter. Criteria: ACMG Guidelines, 2015. Collection method: clinical testing. Allele origin: germline. Inheritance: Autosomal dominant inheritance. Observed: 3 variant alleles, 3 heterozygotes.
Comment: This variant is located in the PRKAG2 protein. Computational prediction suggests that this variant may not impact protein structure and function (internally defined REVEL score threshold <= 0.5, PMID: 27666373). To our knowledge, functional studies have not been reported for this variant. This variant has not been reported in individuals affected with cardiovascular disorders in the literature. This variant has been identified in 8/282572 chromosomes in the general population by the Genome Aggregation Database (gnomAD). The available evidence is insufficient to determine the role of this variant in disease conclusively. Therefore, this variant is classified as a Variant of Uncertain Significance.

This study involves interpretation of variants in research participants for the purpose of population health screening. Participant phenotype was not available at the time of variant classification. Additional details can be found in publication PMID: 35346344, PMCID: PMC8962531

Blueprint Genetics
Classification: Uncertain significance. Last evaluated: 2023-09-05. Review status: criteria provided, single submitter. Criteria: ACMG Guidelines, 2015. Collection method: clinical testing. Allele origin: germline.

GeneDx
Classification: Uncertain significance. Last evaluated: 2021-11-24. Review status: criteria provided, single submitter. Criteria: GeneDx Variant Classification Process June 2021. Collection method: clinical testing. Allele origin: germline. Affected: yes.
Comment: Has not been previously published as pathogenic or benign to our knowledge; In silico analysis supports that this missense variant does not alter protein structure/function; Reported in ClinVar as a variant of uncertain significance (ClinVar Variant ID# 912141; Landrum et al., 2016); This variant is associated with the following publications: (PMID: 26582918)

Fulgent Genetics
Classification: Uncertain significance for Wolff-Parkinson-White pattern; Lethal congenital glycogen storage disease of heart; Hypertrophic cardiomyopathy 6. Last evaluated: 2021-09-03. Review status: criteria provided, single submitter. Criteria: ACMG Guidelines, 2015. Collection method: clinical testing. Allele origin: unknown.

CHEO Genetics Diagnostic Laboratory, Children's Hospital of Eastern Ontario
Classification: Uncertain significance for Cardiomyopathy. Last evaluated: 2019-05-21. Review status: criteria provided, single submitter. Criteria: ACMG Guidelines, 2015. Collection method: clinical testing. Allele origin: germline.

Illumina Laboratory Services, Illumina
Classification: Uncertain significance for Hypertrophic cardiomyopathy 6. Last evaluated: 2017-04-27. Review status: criteria provided, single submitter. Criteria: ICSL Variant Classification Criteria 13 December 2019. Collection method: clinical testing. Allele origin: germline.

Illumina Laboratory Services, Illumina
Classification: Uncertain significance for Wolff-Parkinson-White pattern. Last evaluated: 2017-04-27. Review status: criteria provided, single submitter. Criteria: ICSL Variant Classification Criteria 13 December 2019. Collection method: clinical testing. Allele origin: germline.

NM_016203.4(PRKAG2):c.341C>T (p.Pro114Leu)

Gene: PRKAG2 (protein kinase AMP-activated non-catalytic subunit gamma 2; minus strand). Cytogenetic location: 7q36.1.
Variant type: single nucleotide variant.
Coding change: c.341C>T on transcript NM_016203.4 (MANE Select); coding-DNA position 341, C replaced by T.
Protein change: p.Pro114Leu; replaces proline 114 with leucine.
Molecular consequence: missense variant.
Genome position (GRCh38, 1-based): chr7:151,781,277, G>A on the plus strand (C>T on the coding strand, the complement: PRKAG2 is on the minus strand). VCF-style: chr7-151781277-G-A. GRCh37 (hg19) VCF-style: chr7-151478363-G-A.
Other names: c.209C>T, p.Pro70Leu (NM_001040633.2); short protein forms P114L, P70L.
Identifiers: ClinVar variation 912141 (VCV000912141.26), dbSNP rs375174733, ClinGen allele CA056823.